The following is an entry in ClinVar:

ClinVar aggregate classification (germline): Pathogenic/Likely pathogenic. Review status: criteria provided, multiple submitters, no conflicts (2 of 4 stars). 2 submissions from 2 submitters: Pathogenic (1); Likely pathogenic (1). Last evaluated 2025-04-01.

Conditions:
Early-infantile DEE. Also called: Early infantile epileptic encephalopathy; Ohtahara syndrome; Early infantile epileptic encephalopathy with suppression bursts. Identifiers: Orphanet 1934, MedGen C0393706, MONDO:0800491.

Submissions (2):

GeneDx
Classification: Likely pathogenic. Last evaluated: 2025-04-01. Review status: criteria provided, single submitter. Criteria: GeneDx Variant Classification Process June 2021. Collection method: clinical testing. Allele origin: germline. Affected: yes.
Comment: Not observed at significant frequency in large population cohorts (gnomAD); In silico analysis supports a deleterious effect on splicing; Has not been previously published as pathogenic or benign to our knowledge

Labcorp Genetics (formerly Invitae), Labcorp
Classification: Pathogenic for Early-infantile DEE. Last evaluated: 2024-05-22. Review status: criteria provided, single submitter. Criteria: Invitae Variant Classification Sherloc (09022015). Collection method: clinical testing. Allele origin: germline.
Comment: This sequence change falls in intron 24 of the SCN1A gene. It does not directly change the encoded amino acid sequence of the SCN1A protein. It affects a nucleotide within the consensus splice site. This variant is not present in population databases (gnomAD no frequency). This variant has been observed in individual(s) with clinical features of SCN1A-related conditions (Invitae). In at least one individual the variant was observed to be de novo. Variants that disrupt the consensus splice site are a relatively common cause of aberrant splicing (PMID: 17576681, 9536098). Algorithms developed to predict the effect of sequence changes on RNA splicing suggest that this variant may disrupt the consensus splice site. This variant disrupts the c.4581+5 nucleotide in the SCN1A gene. Other variant(s) that disrupt this nucleotide have been determined to be pathogenic (PMID: 25459968; Invitae). This suggests that this nucleotide is clinically significant, and that variants that disrupt this position are likely to be disease-causing. For these reasons, this variant has been classified as Pathogenic.

Literature cited by the submitters: PubMed 17576681 (cited by Labcorp Genetics (formerly Invitae), Labcorp); PubMed 9536098 (cited by Labcorp Genetics (formerly Invitae), Labcorp); PubMed 25459968 (cited by Labcorp Genetics (formerly Invitae), Labcorp).

NM_001165963.4(SCN1A):c.4581+5G>A

Genes: SCN1A (sodium voltage-gated channel alpha subunit 1; minus strand), LOC102724058 (uncharacterized LOC102724058; plus strand). Cytogenetic location: 2q24.3.
Variant type: single nucleotide variant.
Coding change: c.4581+5G>A on transcript NM_001165963.4 (MANE Select); 5 bases into the intron after coding-DNA position 4581, G replaced by A.
Molecular consequence: intron variant.
Genome position (GRCh38, 1-based): chr2:165,996,008, C>T on the plus strand (G>A on the coding strand, the complement: SCN1A is on the minus strand). VCF-style: chr2-165996008-C-T. GRCh37 (hg19) VCF-style: chr2-166852518-C-T.
Other names: c.4548+5G>A (NM_001353949.2, NM_001353950.2, NM_001353951.2 and 2 more transcripts); c.4497+5G>A (NM_001353958.2, NM_001353957.2, NM_001165964.3); c.4581+5G>A (NM_001202435.3, NM_001353948.2); c.4545+5G>A (NM_001353955.2, NM_001353954.2); c.4494+5G>A (NM_001353960.2); c.2139+5G>A (NM_001353961.2).
Identifiers: ClinVar variation 3641123 (VCV003641123.3).
Genomic context (GRCh38, chr2:165,996,008, plus strand): 5'-TTGTGAGACAAGCATGCAAGTTTTTGTTTTTGTATTTTTCCCCCATATCATTTGATACTT[C>T]TTACTCCTGGTCGAGGTATAGGCTTTTGCGGTTTTTTCGATCCTAATTTTTTCATTGCAT-3'